The following is an entry in ClinVar:

ClinVar aggregate classification (germline): Uncertain significance (1 of 4 stars; one submission).

Conditions:
Ullrich congenital muscular dystrophy 2 (UCMD2). Identifiers: Orphanet 75840, MedGen C4225314, MONDO:0014654, OMIM 616470.
Bethlem myopathy 2 (BTHLM2). Identifiers: Orphanet 536516, Orphanet 610, MedGen C4225313, MONDO:0034022, OMIM 616471.

Submission:

Labcorp Genetics (formerly Invitae), Labcorp
Classification: Uncertain significance for Bethlem myopathy 2; Ullrich congenital muscular dystrophy 2. Last evaluated: 2020-06-21. Review status: criteria provided, single submitter. Criteria: Invitae Variant Classification Sherloc (09022015). Collection method: clinical testing. Allele origin: germline.
Comment: In summary, the available evidence is currently insufficient to determine the role of this variant in disease. Therefore, it has been classified as a Variant of Uncertain Significance. Algorithms developed to predict the effect of sequence changes on RNA splicing suggest that this variant may create or strengthen a splice site, but this prediction has not been confirmed by published transcriptional studies. Algorithms developed to predict the effect of missense changes on protein structure and function are either unavailable or do not agree on the potential impact of this missense change (SIFT: "Deleterious"; PolyPhen-2: "Benign"; Align-GVGD: "Class C0"). This variant has not been reported in the literature in individuals with COL12A1-related conditions. This variant is not present in population databases (ExAC no frequency). This sequence change replaces threonine with arginine at codon 232 of the COL12A1 protein (p.Thr232Arg). The threonine residue is moderately conserved and there is a moderate physicochemical difference between threonine and arginine.

NM_004370.6(COL12A1):c.695C>G (p.Thr232Arg)

Gene: COL12A1 (collagen type XII alpha 1 chain; minus strand). Cytogenetic location: 6q13.
Variant type: single nucleotide variant.
Coding change: c.695C>G on transcript NM_004370.6 (MANE Select); coding-DNA position 695, C replaced by G.
Protein change: p.Thr232Arg; replaces threonine 232 with arginine.
Molecular consequence: missense variant. On other transcripts: intron variant (1).
Genome position (GRCh38, 1-based): chr6:75,189,345, G>C on the plus strand (C>G on the coding strand, the complement: COL12A1 is on the minus strand). VCF-style: chr6-75189345-G-C. GRCh37 (hg19) VCF-style: chr6-75899061-G-C.
Other names: c.73+13375C>G (NM_080645.3); short protein forms T232R.
Identifiers: ClinVar variation 1026179 (VCV001026179.9), dbSNP rs200443479, ClinGen allele CA364728152.